The following is an entry in ClinVar:

ClinVar aggregate classification (germline): Likely pathogenic (1 of 4 stars; one submission).

Conditions:
Lethal congenital contracture syndrome 11 (LCCS11). Identifiers: MedGen C4310670, MONDO:0014965, OMIM 617194.

Submission:

Juno Genomics, Hangzhou Juno Genomics, Inc
Classification: Likely pathogenic for Lethal congenital contracture syndrome 11. Review status: criteria provided, single submitter. Criteria: ACMG Guidelines, 2015. Collection method: clinical testing. Allele origin: germline.
Comment: Null variant in a gene where loss of function (LOF) is a known mechanism of disease.;Absent from controls (or at extremely low frequency if recessive) in Genome Aggregation Database.

NM_181789.4(GLDN):c.1007G>A (p.Trp336Ter)

Gene: GLDN (gliomedin; plus strand). Cytogenetic location: 15q21.2.
Variant type: single nucleotide variant.
Coding change: c.1007G>A on transcript NM_181789.4 (MANE Select); coding-DNA position 1007, G replaced by A.
Protein change: p.Trp336Ter; replaces tryptophan 336 with a stop codon.
Molecular consequence: nonsense.
Genome position (GRCh38, 1-based): chr15:51,400,478, G>A. VCF-style: chr15-51400478-G-A. GRCh37 (hg19) VCF-style: chr15-51692675-G-A.
Other names: c.635G>A, p.Trp212Ter (NM_001330297.2); short protein forms W212*, W336*.
Identifiers: ClinVar variation 5005432 (VCV005005432.2).